The following is an entry in ClinVar:

NM_024422.6(DSC2):c.703G>A (p.Asp235Asn)

Gene: DSC2 (desmocollin 2; minus strand). Cytogenetic location: 18q12.1.
Variant type: single nucleotide variant.
Coding change: c.703G>A on transcript NM_024422.6 (MANE Select); coding-DNA position 703, G replaced by A.
Protein change: p.Asp235Asn; replaces aspartic acid 235 with asparagine.
Molecular consequence: missense variant.
Genome position (GRCh38, 1-based): chr18:31,087,741, C>T on the plus strand (G>A on the coding strand, the complement: DSC2 is on the minus strand). VCF-style: chr18-31087741-C-T. GRCh37 (hg19) VCF-style: chr18-28667704-C-T.
Other names: c.274G>A, p.Asp92Asn (NM_001406506.1, NM_001406507.1); c.703G>A, p.Asp235Asn (NM_004949.5); short protein forms D235N, D92N.
Identifiers: ClinVar variation 3073720 (VCV003073720.1), dbSNP rs2510952470, ClinGen allele CA402112889.

ClinVar aggregate classification (germline): Uncertain significance (1 of 4 stars; one submission).

Conditions:
Familial isolated arrhythmogenic right ventricular dysplasia. Identifiers: Orphanet 217656, MedGen C4274968, MONDO:0016342.

Allele frequency attached by ClinVar (database versions not stated): gnomAD exomes below 0.00001.
gnomAD v4.1: 1 of 1,613,752 alleles (0.000062%); highest among the groups gnomAD compares: Middle Eastern, 0.017%; no homozygotes.

Submission:

All of Us Research Program, National Institutes of Health
Classification: Uncertain significance for Familial isolated arrhythmogenic right ventricular dysplasia. Last evaluated: 2023-10-06. Review status: criteria provided, single submitter. Criteria: ACMG Guidelines, 2015. Collection method: clinical testing. Allele origin: germline. Inheritance: Autosomal dominant inheritance. Observed: 1 variant allele, 1 heterozygote.
Comment: This missense variant replaces aspartic acid with asparagine at codon 235 of the DSC2 protein. Computational prediction is inconclusive regarding the impact of this variant on protein structure and function (internally defined REVEL score threshold 0.5 < inconclusive < 0.7, PMID: 27666373). To our knowledge, functional studies have not been reported for this variant. This variant has not been reported in individuals affected with DSC2-related disorders in the literature. This variant has not been identified in the general population by the Genome Aggregation Database (gnomAD). The available evidence is insufficient to determine the role of this variant in disease conclusively. Therefore, this variant is classified as a Variant of Uncertain Significance.

This study involves interpretation of variants in research participants for the purpose of population health screening. Participant phenotype was not available at the time of variant classification. Additional details can be found in publication PMID: 35346344, PMCID: PMC8962531